The following is an entry in ClinVar:

ClinVar aggregate classification (germline): Likely pathogenic. Review status: criteria provided, multiple submitters, no conflicts (2 of 4 stars). 3 submissions from 3 submitters: Likely pathogenic (2). 1 of the submissions does not count toward it. Last evaluated 2024-04-05.

Conditions:
Combined malonic and methylmalonic acidemia. Identifiers: Orphanet 289504, MedGen C3280314, MONDO:0013661, OMIM 614265.

Allele frequency attached by ClinVar (database versions not stated): TOPMed 0.00004.

Submissions (3):

Fulgent Genetics
Classification: Likely pathogenic for Combined malonic and methylmalonic acidemia. Last evaluated: 2024-04-05. Review status: criteria provided, single submitter. Criteria: ACMG Guidelines, 2015. Collection method: clinical testing. Allele origin: germline.

Women's Health and Genetics/Laboratory Corporation of America, LabCorp
Classification: Likely pathogenic for Combined malonic and methylmalonic acidemia. Last evaluated: 2024-04-03. Review status: criteria provided, single submitter. Criteria: LabCorp Variant Classification Summary - May 2015. Collection method: clinical testing. Allele origin: germline.
Comment: Variant summary: ACSF3 c.593T>G (p.Met198Arg) results in a non-conservative amino acid change located in the AMP-dependent synthetase/ligase domain (IPR000873) of the encoded protein sequence. Four of five in-silico tools predict a damaging effect of the variant on protein function. The variant was absent in 224322 control chromosomes (gnomAD). c.593T>G has been reported in the literature in two homozygous individuals affected with Combined Malonic And Methylmalonic Aciduria (Sloan_2011, Kuster_2018). These data indicate that the variant is likely to be associated with disease. To our knowledge, no experimental evidence demonstrating an impact on protein function has been reported. The following publications have been ascertained in the context of this evaluation (PMID: 28924877, 21841779). ClinVar contains an entry for this variant (Variation ID: 31141). Based on the evidence outlined above, the variant was classified as likely pathogenic.

OMIM
Classification: Pathogenic for COMBINED MALONIC AND METHYLMALONIC ACIDURIA. Last evaluated: 2011-08-14. Review status: no assertion criteria provided. Collection method: literature only. Allele origin: germline. Not counted in ClinVar's aggregate classification.

Literature cited by the submitters: PubMed 28924877 (cited by Women's Health and Genetics/Laboratory Corporation of America, LabCorp); PubMed 21841779 (cited by Women's Health and Genetics/Laboratory Corporation of America, LabCorp and OMIM).

NM_001243279.3(ACSF3):c.593T>G (p.Met198Arg)

Gene: ACSF3 (acyl-CoA synthetase family member 3; plus strand). Cytogenetic location: 16q24.3.
Variant type: single nucleotide variant.
Coding change: c.593T>G on transcript NM_001243279.3 (MANE Select); coding-DNA position 593, T replaced by G.
Protein change: p.Met198Arg; replaces methionine 198 with arginine.
Molecular consequence: missense variant. On other transcripts: non-coding transcript variant (3), intron variant (1).
Genome position (GRCh38, 1-based): chr16:89,101,274, T>G. VCF-style: chr16-89101274-T-G. GRCh37 (hg19) VCF-style: chr16-89167682-T-G.
Other names: c.593T>G, p.Met198Arg (NM_001127214.4, NM_174917.5); c.-129-1330T>G (NM_001284316.2); short protein forms M198R.
Identifiers: ClinVar variation 31141 (VCV000031141.4), dbSNP rs387907121, ClinGen allele CA129717.
Genomic context (GRCh38, chr16:89,101,274, plus strand): 5'-CAGTAGAGGAACCGGCAGAGGTCCCGGTCCCAGAGCAGGGATGGAGGAACAAGGGCGCCA[T>G]GATCATCTACACCAGTGGGACCACGGGGAGGCCCAAGGGCGTGCTGAGCACGCACCAAAA-3'
Protein context (NP_001230208.1, residues 188-208): PEQGWRNKGA[Met198Arg]IIYTSGTTGR